The following is an entry in ClinVar:

ClinVar aggregate classification (germline): Uncertain significance (1 of 4 stars; one submission).

Submission:

GeneDx
Classification: Uncertain significance. Last evaluated: 2025-06-29. Review status: criteria provided, single submitter. Criteria: GeneDx Variant Classification Process June 2021. Collection method: clinical testing. Allele origin: germline. Affected: yes.
Comment: Not observed at significant frequency in large population cohorts (gnomAD); In silico analysis supports that this missense variant has a deleterious effect on protein structure/function; Has not been previously published as pathogenic or benign to our knowledge

NM_002430.3(MN1):c.3449T>C (p.Ile1150Thr)

Gene: MN1 (MN1 proto-oncogene, transcriptional regulator; minus strand). Cytogenetic location: 22q12.1.
Variant type: single nucleotide variant.
Coding change: c.3449T>C on transcript NM_002430.3 (MANE Select); coding-DNA position 3449, T replaced by C.
Protein change: p.Ile1150Thr; replaces isoleucine 1150 with threonine.
Molecular consequence: missense variant.
Genome position (GRCh38, 1-based): chr22:27,797,095, A>G on the plus strand (T>C on the coding strand, the complement: MN1 is on the minus strand). VCF-style: chr22-27797095-A-G. GRCh37 (hg19) VCF-style: chr22-28193083-A-G.
Other names: short protein forms I1150T.
Identifiers: ClinVar variation 4540380 (VCV004540380.1).
Genomic context (GRCh38, chr22:27,797,095, plus strand): 5'-GAGATGCTGAACTGCTGCCTCTGTAGCTGGATCTGCGCCTGAAGGATCTCCAGGGGGTGG[A>G]TCTCGTCGGGTGGCGGGGCGCCGCTGCTGCTCGTCGGGGTGCGGACCTGCTCCAGGCCCG-3'
Protein context (NP_002421.3, residues 1140-1160): SSSGAPPPDE[Ile1150Thr]HPLEILQAQI